The following is an entry in ClinVar:

NM_023110.3(FGFR1):c.184C>T (p.Gln62Ter)

Gene: FGFR1 (fibroblast growth factor receptor 1; minus strand). Cytogenetic location: 8p11.23.
Variant type: single nucleotide variant.
Coding change: c.184C>T on transcript NM_023110.3 (MANE Select); coding-DNA position 184, C replaced by T.
Protein change: p.Gln62Ter; replaces glutamine 62 with a stop codon.
Molecular consequence: nonsense. On other transcripts: intron variant (5).
Genome position (GRCh38, 1-based): chr8:38,429,856, G>A on the plus strand (C>T on the coding strand, the complement: FGFR1 is on the minus strand). VCF-style: chr8-38429856-G-A. GRCh37 (hg19) VCF-style: chr8-38287374-G-A.
Other names: c.184C>T, p.Gln62Ter (NM_001174063.2, NM_001174065.2, NM_001354367.2 and 2 more transcripts); c.160C>T, p.Gln54Ter (NM_001174064.2); c.283C>T, p.Gln95Ter (NM_001174067.2); c.92-1421C>T (NM_001354368.2, NM_001354370.2, NM_023106.3 and 2 more transcripts); short protein forms Q95*, Q62*, Q54*.
Identifiers: ClinVar variation 816959 (VCV000816959.1), dbSNP rs1586379523, ClinGen allele CA370736482.

ClinVar aggregate classification (germline): Likely pathogenic (1 of 4 stars; one submission).

Submission:

GeneDx
Classification: Likely pathogenic. Last evaluated: 2018-11-26. Review status: criteria provided, single submitter. Criteria: GeneDx Variant Classification (06012015). Collection method: clinical testing. Allele origin: germline. Affected: yes.
Comment: The Q62X nonsense variant in the FGFR1 gene is predicted to cause loss of normal protein function either through protein truncation or nonsense-mediated mRNA decay. This variant is not observed in large population cohorts (Lek et al., 2016). Kallmann syndrome and IGD are known to be associated with nonsense variants and other loss of function variants in the FGFR1 gene. This variant has not been reported previously to our knowledge. We interpret this variant as likely pathogenic.